The following is an entry in ClinVar:

ClinVar aggregate classification (germline): Conflicting classifications of pathogenicity. Review status: criteria provided, conflicting classifications (1 of 4 stars). 4 submissions from 4 submitters: Likely pathogenic (1); Uncertain significance (3). Last evaluated 2023-09-11.

Conditions:
RYR1-related disorder. Also called: RYR1-related disorders; RYR1-related condition. Identifiers: MedGen CN239331.

Allele frequency attached by ClinVar (database versions not stated): gnomAD exomes below 0.00001 and 0.00001; TOPMed below 0.00001.

Submissions (4):

Labcorp Genetics (formerly Invitae), Labcorp
Classification: Likely pathogenic for RYR1-related disorder. Last evaluated: 2023-09-11. Review status: criteria provided, single submitter. Criteria: Invitae Variant Classification Sherloc (09022015). Collection method: clinical testing. Allele origin: germline.
Comment: This sequence change replaces valine, which is neutral and non-polar, with aspartic acid, which is acidic and polar, at codon 3050 of the RYR1 protein (p.Val3050Asp). ClinVar contains an entry for this variant (Variation ID: 590627). In summary, the currently available evidence indicates that the variant is pathogenic, but additional data are needed to prove that conclusively. Therefore, this variant has been classified as Likely Pathogenic. Advanced modeling of protein sequence and biophysical properties (such as structural, functional, and spatial information, amino acid conservation, physicochemical variation, residue mobility, and thermodynamic stability) has been performed at Invitae for this missense variant, however the output from this modeling did not meet the statistical confidence thresholds required to predict the impact of this variant on RYR1 protein function. This missense change has been observed in individual(s) with myotubular myopathy (Invitae). In at least one individual the data is consistent with being in trans (on the opposite chromosome) from a pathogenic variant. This variant is present in population databases (no rsID available, gnomAD 0.006%).

Athena Diagnostics
Classification: Uncertain significance. Last evaluated: 2023-05-25. Review status: criteria provided, single submitter. Criteria: Athena Diagnostics Criteria. Collection method: clinical testing. Allele origin: unknown.
Comment: Available data are insufficient to determine the clinical significance of the variant at this time. The frequency of this variant in the general population is uninformative in assessment of its pathogenicity. This variant has been identified in at least one individual with clinical features associated with this gene. Computational tools predict that this variant is damaging.

Revvity Omics, Revvity
Classification: Uncertain significance. Last evaluated: 2022-08-10. Review status: criteria provided, single submitter. Criteria: ACMG Guidelines, 2015. Collection method: clinical testing. Allele origin: germline.

PreventionGenetics, part of Exact Sciences
Classification: Uncertain significance. Last evaluated: 2013-10-28. Review status: criteria provided, single submitter. Criteria: ACMG Guidelines, 2015. Collection method: clinical testing. Allele origin: germline.

Literature cited by the submitters: PubMed 32236737 (cited by Athena Diagnostics).

NM_000540.3(RYR1):c.9149T>A (p.Val3050Asp)

Gene: RYR1 (ryanodine receptor 1; plus strand). Cytogenetic location: 19q13.2.
Variant type: single nucleotide variant.
Coding change: c.9149T>A on transcript NM_000540.3 (MANE Select); coding-DNA position 9149, T replaced by A.
Protein change: p.Val3050Asp; replaces valine 3050 with aspartic acid.
Molecular consequence: missense variant.
Genome position (GRCh38, 1-based): chr19:38,511,587, T>A. VCF-style: chr19-38511587-T-A. GRCh37 (hg19) VCF-style: chr19-39002227-T-A.
Other names: c.9149T>A, p.Val3050Asp (NM_001042723.2); short protein forms V3050D.
Identifiers: ClinVar variation 590627 (VCV000590627.14), dbSNP rs1157851269, ClinGen allele CA405684488.